The following is an entry in ClinVar:

ClinVar aggregate classification (germline): Benign (1 of 4 stars; one submission).

Allele frequency attached by ClinVar (database versions not stated): 1000 Genomes Project 30x 0.95534; 1000 Genomes Project 0.95707; TOPMed 0.96171; gnomAD 0.96683 and 0.96819.
gnomAD v4.1: 147,490 of 152,342 alleles (97%); highest among the groups gnomAD compares: South Asian, 100%; 71,453 homozygotes.

Submission:

GeneDx
Classification: Benign. Last evaluated: 2018-06-16. Review status: criteria provided, single submitter. Criteria: GeneDx Variant Classification (06012015). Collection method: clinical testing. Allele origin: germline. Affected: yes.
Comment: This variant is considered likely benign or benign based on one or more of the following criteria: it is a conservative change, it occurs at a poorly conserved position in the protein, it is predicted to be benign by multiple in silico algorithms, and/or has population frequency not consistent with disease.

NM_005445.4(SMC3):c.2427+170A>T

Gene: SMC3 (structural maintenance of chromosomes 3; plus strand). Cytogenetic location: 10q25.2.
Variant type: single nucleotide variant.
Coding change: c.2427+170A>T on transcript NM_005445.4 (MANE Select); 170 bases into the intron after coding-DNA position 2427, A replaced by T.
Molecular consequence: intron variant.
Genome position (GRCh38, 1-based): chr10:110,599,982, A>T. VCF-style: chr10-110599982-A-T. GRCh37 (hg19) VCF-style: chr10-112359740-A-T.
Identifiers: ClinVar variation 670113 (VCV000670113.1), dbSNP rs1890920, ClinGen allele CA213247767.